The following is an entry in ClinVar:

ClinVar aggregate classification (germline): Uncertain significance. Review status: criteria provided, multiple submitters, no conflicts (2 of 4 stars). 2 submissions from 2 submitters: Uncertain significance (2). Last evaluated 2024-10-25.

Allele frequency attached by ClinVar (database versions not stated): ExAC 0.00011; ESP Exome Variant Server 0.00015; 1000 Genomes Project 30x 0.00016; 1000 Genomes Project 0.00020; gnomAD 0.00003; TOPMed 0.00005.
gnomAD v4.1: 99 of 1,586,446 alleles (0.0062%); highest among the groups gnomAD compares: Non-Finnish European, 0.0079%; no homozygotes.

Submissions (2):

GeneDx
Classification: Uncertain significance. Last evaluated: 2024-10-25. Review status: criteria provided, single submitter. Criteria: GeneDx Variant Classification Process June 2021. Collection method: clinical testing. Allele origin: germline. Affected: yes.
Comment: In silico analysis indicates that this missense variant does not alter protein structure/function; Has not been previously published as pathogenic or benign to our knowledge

Labcorp Genetics (formerly Invitae), Labcorp
Classification: Uncertain significance. Last evaluated: 2024-10-07. Review status: criteria provided, single submitter. Criteria: Invitae Variant Classification Sherloc (09022015). Collection method: clinical testing. Allele origin: germline.
Comment: This sequence change replaces isoleucine, which is neutral and non-polar, with methionine, which is neutral and non-polar, at codon 203 of the MECR protein (p.Ile203Met). This variant is present in population databases (rs139257940, gnomAD 0.01%). This variant has not been reported in the literature in individuals affected with MECR-related conditions. ClinVar contains an entry for this variant (Variation ID: 1939658). Invitae Evidence Modeling of protein sequence and biophysical properties (such as structural, functional, and spatial information, amino acid conservation, physicochemical variation, residue mobility, and thermodynamic stability) indicates that this missense variant is not expected to disrupt MECR protein function with a negative predictive value of 80%. In summary, the available evidence is currently insufficient to determine the role of this variant in disease. Therefore, it has been classified as a Variant of Uncertain Significance.

NM_016011.5(MECR):c.609C>G (p.Ile203Met)

Gene: MECR (mitochondrial trans-2-enoyl-CoA reductase; minus strand). Cytogenetic location: 1p35.3.
Variant type: single nucleotide variant.
Coding change: c.609C>G on transcript NM_016011.5 (MANE Select); coding-DNA position 609, C replaced by G.
Protein change: p.Ile203Met; replaces isoleucine 203 with methionine.
Molecular consequence: missense variant. On other transcripts: non-coding transcript variant (3).
Genome position (GRCh38, 1-based): chr1:29,203,175, G>C on the plus strand (C>G on the coding strand, the complement: MECR is on the minus strand). VCF-style: chr1-29203175-G-C. GRCh37 (hg19) VCF-style: chr1-29529687-G-C.
Other names: c.381C>G, p.Ile127Met (NM_001024732.4, NM_001349711.2, NM_001349712.2 and 2 more transcripts); c.714C>G, p.Ile238Met (NM_001349715.2); c.693C>G, p.Ile231Met (NM_001349716.2); c.459C>G, p.Ile153Met (NM_001349717.2); c.609C>G (NM_016011.2); short protein forms I203M, I127M, I153M, I231M, I238M.
Identifiers: ClinVar variation 1939658 (VCV001939658.5), dbSNP rs139257940, ClinGen allele CA725749.